The following is an entry in ClinVar:

NM_001256864.2(DNAJC6):c.1716G>A (p.Ala572=)

Gene: DNAJC6 (DnaJ heat shock protein family (Hsp40) member C6; plus strand). Cytogenetic location: 1p31.3.
Variant type: single nucleotide variant.
Coding change: c.1716G>A on transcript NM_001256864.2 (MANE Select); coding-DNA position 1716, G replaced by A.
Protein change: p.Ala572=; no amino-acid change (alanine 572 retained).
Molecular consequence: synonymous variant.
Genome position (GRCh38, 1-based): chr1:65,392,678, G>A. VCF-style: chr1-65392678-G-A. GRCh37 (hg19) VCF-style: chr1-65858361-G-A.
Other names: c.1506G>A, p.Ala502= (NM_001256865.2); c.1545G>A, p.Ala515= (NM_014787.4); c.1716G>A (NM_001256864.1).
Identifiers: ClinVar variation 1407794 (VCV001407794.11), dbSNP rs201766287, ClinGen allele CA893983.

ClinVar aggregate classification (germline): Likely benign. Review status: criteria provided, single submitter (1 of 4 stars). 2 submissions from 2 submitters: Likely benign (1). 1 of the submissions does not count toward it. Last evaluated 2024-02-17.

Conditions:
Juvenile onset Parkinson disease 19A. Also called: PARK19; DNAJC6 Parkinson Disease. Identifiers: Orphanet 391411, MedGen C3809811, MONDO:0014231, OMIM 615528.
DNAJC6-related disorder. Also called: DNAJC6-Related Disorders; DNAJC6-related condition.

Allele frequency attached by ClinVar (database versions not stated): gnomAD 0.00001 and 0.00004; TOPMed 0.00001; ExAC 0.00003; 1000 Genomes Project 30x 0.00031; 1000 Genomes Project 0.00040.
gnomAD v4.1: 16 of 1,612,744 alleles (0.00099%); highest among the groups gnomAD compares: African/African-American, 0.011%; no homozygotes.

Submissions (3):

Labcorp Genetics (formerly Invitae), Labcorp
Classification: Likely benign for Juvenile onset Parkinson disease 19A. Last evaluated: 2024-02-17. Review status: criteria provided, single submitter. Criteria: Invitae Variant Classification Sherloc (09022015). Collection method: clinical testing. Allele origin: germline.

PreventionGenetics, part of Exact Sciences
Classification: Likely benign for DNAJC6-related condition. Last evaluated: 2019-11-26. Review status: no assertion criteria provided. Collection method: clinical testing. Allele origin: germline. Not counted in ClinVar's aggregate classification.
Comment: This variant is classified as likely benign based on ACMG/AMP sequence variant interpretation guidelines (Richards et al. 2015 PMID: 25741868, with internal and published modifications).

Dr. Peter K. Rogan Lab, Western University
No classification provided (evidence only). Condition: Malignant tumor of esophagus. Review status: no classification provided. Collection method: in vitro. Allele origin: not applicable. Functional consequence: retained intron. Not counted in ClinVar's aggregate classification.